The following is an entry in ClinVar:

ClinVar aggregate classification (germline): Uncertain significance (1 of 4 stars; one submission).

Conditions:
Hypertrophic cardiomyopathy. Also called: HYPERTROPHIC MYOCARDIOPATHY. Identifiers: Orphanet 217569, MedGen C0007194, MeSH D002312, MONDO:0005045, HP:0001639.

Submission:

Labcorp Genetics (formerly Invitae), Labcorp
Classification: Uncertain significance for Hypertrophic cardiomyopathy. Last evaluated: 2025-11-03. Review status: criteria provided, single submitter. Criteria: Invitae Variant Classification Sherloc (09022015). Collection method: clinical testing. Allele origin: germline.
Comment: This sequence change affects codon 912 of the MYBPC3 mRNA. It is a 'silent' change, meaning that it does not change the encoded amino acid sequence of the MYBPC3 protein. It affects a nucleotide within the consensus splice site. This variant is not present in population databases (gnomAD no frequency). This variant has not been reported in the literature in individuals affected with MYBPC3-related conditions. Algorithms developed to predict the effect of sequence changes on RNA splicing suggest that this variant is not likely to affect RNA splicing. In summary, the available evidence is currently insufficient to determine the role of this variant in disease. Therefore, it has been classified as a Variant of Uncertain Significance.

NM_000256.3(MYBPC3):c.2736C>T (p.Gly912=)

Gene: MYBPC3 (myosin binding protein C3; minus strand). Cytogenetic location: 11p11.2.
Variant type: single nucleotide variant.
Coding change: c.2736C>T on transcript NM_000256.3 (MANE Select); coding-DNA position 2736, C replaced by T.
Protein change: p.Gly912=; no amino-acid change (glycine 912 retained).
Molecular consequence: synonymous variant.
Genome position (GRCh38, 1-based): chr11:47,335,878, G>A on the plus strand (C>T on the coding strand, the complement: MYBPC3 is on the minus strand). VCF-style: chr11-47335878-G-A. GRCh37 (hg19) VCF-style: chr11-47357429-G-A.
Identifiers: ClinVar variation 4752586 (VCV004752586.1).
Genomic context (GRCh38, chr11:47,335,878, plus strand): 5'-AATGGCAAGGTGAGCATGTTCTTCCTTTGGGGAGGGGGGTTGGGGGCGGGGACACTCACA[G>A]CCCTCTGGGCAGTACTCCACGCTGTAGCCATCCAGGCCTCCTGCTCCCACGCGCTCTGGG-3'
Protein context (NP_000247.2, residues 902-922): DGYSVEYCPE[Gly912=]CSEWVAALQG